The following is an entry in ClinVar:

ClinVar aggregate classification (germline): Pathogenic (1 of 4 stars; one submission).

Conditions:
Duchenne muscular dystrophy (DMD). Also called: MUSCULAR DYSTROPHY, PSEUDOHYPERTROPHIC PROGRESSIVE, DUCHENNE TYPE; Duchenne Muscular Dystrophy (DMD). Identifiers: Orphanet 98896, MedGen C0013264, MONDO:0010679, OMIM 310200.

Submission:

Labcorp Genetics (formerly Invitae), Labcorp
Classification: Pathogenic for Duchenne muscular dystrophy. Last evaluated: 2024-07-03. Review status: criteria provided, single submitter. Criteria: Invitae Variant Classification Sherloc (09022015). Collection method: clinical testing. Allele origin: germline.
Comment: This sequence change creates a premature translational stop signal (p.Leu1674*) in the DMD gene. It is expected to result in an absent or disrupted protein product. Loss-of-function variants in DMD are known to be pathogenic (PMID: 16770791, 25007885). This variant is not present in population databases (gnomAD no frequency). This variant has not been reported in the literature in individuals affected with DMD-related conditions. ClinVar contains an entry for this variant (Variation ID: 2027026). For these reasons, this variant has been classified as Pathogenic.

Literature cited by the submitters: PubMed 16770791; PubMed 25007885.

NM_004006.3(DMD):c.5021T>A (p.Leu1674Ter)

Gene: DMD (dystrophin; minus strand). Cytogenetic location: Xp21.1.
Variant type: single nucleotide variant.
Coding change: c.5021T>A on transcript NM_004006.3 (MANE Select); coding-DNA position 5021, T replaced by A.
Protein change: p.Leu1674Ter; replaces leucine 1674 with a stop codon.
Molecular consequence: nonsense.
Genome position (GRCh38, 1-based): chrX:32,365,024, A>T on the plus strand (T>A on the coding strand, the complement: DMD is on the minus strand). VCF-style: chrX-32365024-A-T. GRCh37 (hg19) VCF-style: chrX-32383141-A-T.
Other names: c.4997T>A, p.Leu1666Ter (NM_000109.4); c.5009T>A, p.Leu1670Ter (NM_004009.3); c.4652T>A, p.Leu1551Ter (NM_004010.3); c.998T>A, p.Leu333Ter (NM_004011.4); c.989T>A, p.Leu330Ter (NM_004012.4); short protein forms L1674*, L330*, L333*, L1551*, L1666*, L1670*.
Identifiers: ClinVar variation 2027026 (VCV002027026.4), dbSNP rs2522565997, ClinGen allele CA412671750.
Genomic context (GRCh38, chrX:32,365,024, plus strand): 5'-TGTATCTTTTTCTCGTGACAGAGAAGGGTGTAAAAGCTTCTAGCCTTTTCTCTTACCAAC[A>T]AAAGATTTAACCACTCTTCTGCTCGGGAGGTGACAGCTATCCAGTTACTATTCAGAAGAC-3'